The following is an entry in ClinVar:

ClinVar aggregate classification (germline): Pathogenic/Likely pathogenic. Review status: criteria provided, multiple submitters, no conflicts (2 of 4 stars). 7 submissions from 7 submitters: Pathogenic (2); Likely pathogenic (4). 1 of the submissions does not count toward it. Last evaluated 2026-08-13.

Conditions:
Diabetes mellitus, permanent neonatal 3. Also called: ABCC8-Related Permanent Neonatal Diabetes Mellitus. Identifiers: MedGen C5394303, MONDO:0030088, OMIM 618857.
Hyperinsulinemic hypoglycemia, familial, 1 (HHF1). Also called: Persistent Hyperinsulinemia Hypoglycemia of Infancy; Persistent hyperinsulinemic hypoglycemia of infancy; HYPERINSULINISM, FAMILIAL, WITH PANCREATIC NESIDIOBLASTOSIS; HYPOGLYCEMIA, HYPERINSULINEMIC, OF INFANCY; NESIDIOBLASTOSIS OF PANCREAS. Identifiers: Orphanet 276575, Orphanet 276598, MedGen C2931832, MONDO:0009734, OMIM 256450.
Type 2 diabetes mellitus. Also called: Type II diabetes mellitus. Identifiers: MedGen C0011860, MeSH D003924, MONDO:0005148, OMIM 125853, HP:0005978.
Hereditary hyperinsulinism.

Allele frequency attached by ClinVar (database versions not stated): gnomAD exomes below 0.00001; TOPMed 0.00001.
gnomAD v4.1: 2 of 1,613,694 alleles (0.00012%); highest among the groups gnomAD compares: Non-Finnish European, 0.00017%; no homozygotes.

Submissions (7):

GeneDx
Classification: Likely pathogenic. Last evaluated: 2026-08-13. Review status: criteria provided, single submitter. Criteria: GeneDx Variant Classification Process June 2021. Collection method: clinical testing. Allele origin: germline.
Comment: Reported previously in the compound heterozygous state in a patient with neonatal diabetes mellitus (PMID: 22796691); Not observed at significant frequency in large population cohorts (gnomAD); In silico analysis supports that this missense variant has a deleterious effect on protein structure/function; Also known as c.3766G>A, p.G1256S; This variant is associated with the following publications: (PMID: 28667717, 32418263, 39192869, 34631896, 35114785, 28270372, 33184150, 32792356, 28791793, 22796691)

Women's Health and Genetics/Laboratory Corporation of America, LabCorp
Classification: Pathogenic for Diabetes mellitus, permanent neonatal 3. Last evaluated: 2025-10-28. Review status: criteria provided, single submitter. Criteria: LabCorp Variant Classification Summary - May 2015. Collection method: clinical testing. Allele origin: germline.
Comment: Variant summary: ABCC8 c.3763G>A (p.Gly1255Ser) results in a non-conservative amino acid change in the encoded protein sequence. Algorithms developed to predict the effect of missense changes on protein structure and function are either unavailable or do not agree on the potential impact of this missense change. The variant was absent in 250192 control chromosomes (gnomAD). c.3763G>A has been observed in individuals affected with Diabetes mellitus, permanent neonatal 3, including a de novo occurrence (e.g., Jain_2012, Li_2018, Andelmeguid_2022), as well as in a congenital hyperinsulinism patient (Wang_2017). These data indicate that the variant is likely to be associated with disease. The following publications have been ascertained in the context of this evaluation (PMID: 22796691, 32418263, 28791793, 32792356, 28270372, 35114785). ClinVar contains an entry for this variant (Variation ID: 552431). Based on the evidence outlined above, the variant was classified as pathogenic.

Natera, Inc.
Classification: Likely pathogenic for Hereditary hyperinsulinism. Last evaluated: 2025-05-30. Review status: criteria provided, single submitter. Criteria: Natera Variant Classification Schema (03/2026). Collection method: clinical testing. Allele origin: germline.
Comment: The c.3763G>A variant in ABCC8 is a missense variant predicted to cause substitution of glycine to serine at amino acid 1255. This variant is rare in the general population with a frequency below the threshold expected for the associated phenotype(s). This variant has been observed in one or more individuals affected with the associated recessive disease, as either homozygous or compound heterozygous with a second variant (PMID: 22796691). This variant has been observed in affected individual(s) with monoallelic occurrence (heterozygous/hemizygous) (PMID: 28791793). Computational prediction algorithms indicate this variant is likely to affect gene or protein function. Given the available evidence, this variant is classified as Likely Pathogenic.

Genetic Services Laboratory, University of Chicago
Classification: Likely pathogenic. Last evaluated: 2025-05-20. Review status: criteria provided, single submitter. Criteria: ACMG Guidelines, 2015. Collection method: clinical testing. Allele origin: germline.
Comment: The c.3763G>A variant: Results in an amino acid change, p.Gly1255Ser. Affects a highly conserved amino acid residue located in a domain of the ABCC8 protein that is known to be functional. Appears to have contradictory results by in-silico pathogenicity prediction tools. Has been previously described in the heterozygous and compound heterozygous state in individuals with neonatal diabetes (PMID: 22796691, 32792356, 32418263, 35114785). Is reported in the gnomAD v4 database with a frequency of 0.0001% in the global population (dbSNP rs1185034563). ClinVar contains an entry for this variant (Variation ID: 552431). Collectively, this evidence indicates that this variant is likely pathogenic, however functional studies have not been performed to prove this conclusively.

Labcorp Genetics (formerly Invitae), Labcorp
Classification: Pathogenic. Last evaluated: 2024-02-16. Review status: criteria provided, single submitter. Criteria: Invitae Variant Classification Sherloc (09022015). Collection method: clinical testing. Allele origin: germline.
Comment: This sequence change replaces glycine, which is neutral and non-polar, with serine, which is neutral and polar, at codon 1255 of the ABCC8 protein (p.Gly1255Ser). This variant is not present in population databases (gnomAD no frequency). This missense change has been observed in individual(s) with ABCC8-related conditions and/or neonatal diabetes mellitus (PMID: 22796691, 28791793, 32792356). In at least one individual the variant was observed to be de novo. This variant is also known as c.3766G>A (p.Gly1256Ser). ClinVar contains an entry for this variant (Variation ID: 552431). Advanced modeling of protein sequence and biophysical properties (such as structural, functional, and spatial information, amino acid conservation, physicochemical variation, residue mobility, and thermodynamic stability) performed at Invitae indicates that this missense variant is expected to disrupt ABCC8 protein function with a positive predictive value of 80%. For these reasons, this variant has been classified as Pathogenic.

Baylor Genetics
Classification: Likely pathogenic for Type 2 diabetes mellitus. Last evaluated: 2023-03-24. Review status: criteria provided, single submitter. Criteria: ACMG Guidelines, 2015. Collection method: clinical testing. Allele origin: unknown.

Counsyl
Classification: Uncertain significance for Hyperinsulinemic hypoglycemia, familial, 1. Last evaluated: 2017-06-09. Review status: no assertion criteria provided. Collection method: clinical testing. Allele origin: unknown. Not counted in ClinVar's aggregate classification.

Literature cited by the submitters: PubMed 28270372 (cited by Women's Health and Genetics/Laboratory Corporation of America, LabCorp); PubMed 32418263 (cited by Women's Health and Genetics/Laboratory Corporation of America, LabCorp); PubMed 32792356 (cited by Women's Health and Genetics/Laboratory Corporation of America, LabCorp and Labcorp Genetics (formerly Invitae), Labcorp); PubMed 28791793 (cited by 3 submitters); PubMed 35114785 (cited by Women's Health and Genetics/Laboratory Corporation of America, LabCorp); PubMed 22796691 (cited by 4 submitters).

NM_000352.6(ABCC8):c.3763G>A (p.Gly1255Ser)

Gene: ABCC8 (ATP binding cassette subfamily C member 8; minus strand). Cytogenetic location: 11p15.1.
Variant type: single nucleotide variant.
Coding change: c.3763G>A on transcript NM_000352.6 (MANE Select); coding-DNA position 3763, G replaced by A.
Protein change: p.Gly1255Ser; replaces glycine 1255 with serine.
Molecular consequence: missense variant. On other transcripts: non-coding transcript variant (1).
Genome position (GRCh38, 1-based): chr11:17,397,788, C>T on the plus strand (G>A on the coding strand, the complement: ABCC8 is on the minus strand). VCF-style: chr11-17397788-C-T. GRCh37 (hg19) VCF-style: chr11-17419335-C-T.
Other names: c.3766G>A, p.Gly1256Ser (NM_001287174.3); c.3829G>A, p.Gly1277Ser (NM_001351295.2); c.3763G>A, p.Gly1255Ser (NM_001351296.2); c.3760G>A, p.Gly1254Ser (NM_001351297.2); c.3763G>A (NM_000352.4); short protein forms G1255S, G1256S, G1254S, G1277S.
Identifiers: ClinVar variation 552431 (VCV000552431.14), dbSNP rs1185034563, ClinGen allele CA379793654.